The following is an entry in ClinVar:

NM_024589.3(ROGDI):c.190G>A (p.Gly64Ser)

Gene: ROGDI (rogdi atypical leucine zipper; minus strand). Cytogenetic location: 16p13.3.
Variant type: single nucleotide variant.
Coding change: c.190G>A on transcript NM_024589.3 (MANE Select); coding-DNA position 190, G replaced by A.
Protein change: p.Gly64Ser; replaces glycine 64 with serine.
Molecular consequence: missense variant. On other transcripts: non-coding transcript variant (1).
Genome position (GRCh38, 1-based): chr16:4,801,513, C>T on the plus strand (G>A on the coding strand, the complement: ROGDI is on the minus strand). VCF-style: chr16-4801513-C-T. GRCh37 (hg19) VCF-style: chr16-4851514-C-T.
Other names: short protein forms G64S.
Identifiers: ClinVar variation 845005 (VCV000845005.9), dbSNP rs901817632, ClinGen allele CA277141627.

ClinVar aggregate classification (germline): Uncertain significance (1 of 4 stars; one submission).

Conditions:
Amelocerebrohypohidrotic syndrome (KTZS). Also called: Kohlschutter's syndrome; EPILEPSY AND YELLOW TEETH; EPILEPSY, DEMENTIA, AND AMELOGENESIS IMPERFECTA; KOHLSCHUTTER SYNDROME. Identifiers: Orphanet 1946, MedGen C0406740, MONDO:0009185, OMIM 226750.

Allele frequency attached by ClinVar (database versions not stated): gnomAD 0.00001; TOPMed 0.00001.

Submission:

Labcorp Genetics (formerly Invitae), Labcorp
Classification: Uncertain significance for Amelocerebrohypohidrotic syndrome. Last evaluated: 2022-07-19. Review status: criteria provided, single submitter. Criteria: Invitae Variant Classification Sherloc (09022015). Collection method: clinical testing. Allele origin: germline.
Comment: This sequence change replaces glycine, which is neutral and non-polar, with serine, which is neutral and polar, at codon 64 of the ROGDI protein (p.Gly64Ser). This variant is present in population databases (no rsID available, gnomAD 0.01%). In summary, the available evidence is currently insufficient to determine the role of this variant in disease. Therefore, it has been classified as a Variant of Uncertain Significance. Algorithms developed to predict the effect of missense changes on protein structure and function (SIFT, PolyPhen-2, Align-GVGD) all suggest that this variant is likely to be tolerated. ClinVar contains an entry for this variant (Variation ID: 845005). This variant has not been reported in the literature in individuals affected with ROGDI-related conditions.